The following is an entry in ClinVar:

ClinVar aggregate classification (germline): Uncertain significance (1 of 4 stars; one submission).

Conditions:
Infantile-onset ascending hereditary spastic paralysis (IAHSP). Also called: Infantile-Onset Ascending Hereditary Spastic Paralysis (IAHSP); Autosomal Recessive Juvenile Amyotrophic Lateral Sclerosis. Identifiers: Orphanet 293168, MedGen C2931441, MONDO:0011797, OMIM 607225. Disease mechanism: loss of function.

Allele frequency attached by ClinVar (database versions not stated): gnomAD exomes below 0.00001; ExAC 0.00001.
gnomAD v4.1: 1 of 1,613,964 alleles (0.000062%); highest among the groups gnomAD compares: Non-Finnish European, 0.000085%; no homozygotes.

Submission:

Labcorp Genetics (formerly Invitae), Labcorp
Classification: Uncertain significance for Infantile-onset ascending hereditary spastic paralysis. Last evaluated: 2018-08-03. Review status: criteria provided, single submitter. Criteria: Invitae Variant Classification Sherloc (09022015). Collection method: clinical testing. Allele origin: germline.
Comment: This variant has not been reported in the literature in individuals with ALS2-related disease. Algorithms developed to predict the effect of missense changes on protein structure and function are either unavailable or do not agree on the potential impact of this missense change (SIFT: "Tolerated"; PolyPhen-2: "Probably Damaging"; Align-GVGD: "Class C0"). In summary, the available evidence is currently insufficient to determine the role of this variant in disease. Therefore, it has been classified as a Variant of Uncertain Significance. The frequency data for this variant in the population databases is considered unreliable, as metrics indicate poor data quality at this position in the ExAC database. This sequence change replaces arginine with glutamine at codon 480 of the ALS2 protein (p.Arg480Gln). The arginine residue is moderately conserved and there is a small physicochemical difference between arginine and glutamine.

NM_020919.4(ALS2):c.1439G>A (p.Arg480Gln)

Gene: ALS2 (alsin Rho guanine nucleotide exchange factor ALS2; minus strand). Cytogenetic location: 2q33.1.
Variant type: single nucleotide variant.
Coding change: c.1439G>A on transcript NM_020919.4 (MANE Select); coding-DNA position 1439, G replaced by A.
Protein change: p.Arg480Gln; replaces arginine 480 with glutamine.
Molecular consequence: missense variant.
Genome position (GRCh38, 1-based): chr2:201,757,434, C>T on the plus strand (G>A on the coding strand, the complement: ALS2 is on the minus strand). VCF-style: chr2-201757434-C-T. GRCh37 (hg19) VCF-style: chr2-202622157-C-T.
Other names: short protein forms R480Q.
Identifiers: ClinVar variation 657700 (VCV000657700.8), dbSNP rs762706628, ClinGen allele CA2058467.
Genomic context (GRCh38, chr2:201,757,434, plus strand): 5'-AATTCACAAAACCTAGTTATTTCCTTACCTTGTGACAACAATCCAGGGAGGGAGAGTCTT[C>T]GACTGCCTCCCTCTGTTTCTTCTTCTCTGATATCCACAAGACTTGAACTTTTCTTTCCTT-3'
Protein context (NP_065970.2, residues 470-490): IREEETEGGS[Arg480Gln]RLSLPGLLSQ